The following is an entry in ClinVar:

ClinVar aggregate classification (germline): Conflicting classifications of pathogenicity. Review status: criteria provided, conflicting classifications (1 of 4 stars). 2 submissions from 2 submitters: Uncertain significance (1); Likely benign (1). Last evaluated 2025-12-23.

Conditions:
NTHL1-related disorder. Also called: NTHL1-related conditions; NTHL1-related condition.

gnomAD v4.1: 44 of 1,600,838 alleles (0.0027%); highest among the groups gnomAD compares: South Asian, 0.015%; no homozygotes.

Submissions (2):

PreventionGenetics, part of Exact Sciences
Classification: Likely benign for NTHL1-related condition. Last evaluated: 2025-12-23. Review status: criteria provided, single submitter. Criteria: ACMG Guidelines, 2015. Collection method: clinical testing. Allele origin: germline.
Comment: This variant is classified as likely benign based on ACMG/AMP sequence variant interpretation guidelines (Richards et al. 2015 PMID: 25741868, with internal and published modifications).

Quest Diagnostics Nichols Institute San Juan Capistrano
Classification: Uncertain significance. Last evaluated: 2024-04-10. Review status: criteria provided, single submitter. Criteria: Quest Diagnostics criteria. Collection method: clinical testing. Allele origin: unknown.
Comment: The NTHL1 c.*5C>T variant has not been reported in individuals with NTHL1-related conditions in the published literature. The frequency of this variant in the general population, 0.000098 (3/30554 chromosomes (Genome Aggregation Database)), is uninformative in the assessment of its pathogenicity. Based on the available information, we are unable to determine the clinical significance of this variant.

NM_002528.7(NTHL1):c.*5C>T

Gene: NTHL1 (nth like DNA glycosylase 1; minus strand). Cytogenetic location: 16p13.3.
Variant type: single nucleotide variant.
Coding change: c.*5C>T on transcript NM_002528.7 (MANE Select); 5 bases downstream of the stop codon, C replaced by T.
Molecular consequence: 3 prime UTR variant.
Genome position (GRCh38, 1-based): chr16:2,039,919, G>A on the plus strand (C>T on the coding strand, the complement: NTHL1 is on the minus strand). VCF-style: chr16-2039919-G-A. GRCh37 (hg19) VCF-style: chr16-2089920-G-A.
Other names: c.*5C>T (NM_001318193.2, NM_001318194.2).
Identifiers: ClinVar variation 3572218 (VCV003572218.2).